The following is an entry in ClinVar:

ClinVar aggregate classification (germline): Likely pathogenic (1 of 4 stars; one submission).

Conditions:
Generalized epilepsy-paroxysmal dyskinesia syndrome (PNKD3). Also called: Paroxysmal nonkinesigenic dyskinesia, 3, with or without generalized epilepsy; Generalized epilepsy and paroxysmal dyskinesia. Identifiers: Orphanet 79137, MedGen C5574945, MONDO:0012276, OMIM 609446.

Submission:

Labcorp Genetics (formerly Invitae), Labcorp
Classification: Likely pathogenic for Generalized epilepsy-paroxysmal dyskinesia syndrome. Last evaluated: 2021-08-05. Review status: criteria provided, single submitter. Criteria: Invitae Variant Classification Sherloc (09022015). Collection method: clinical testing. Allele origin: germline.
Comment: In summary, the currently available evidence indicates that the variant is pathogenic, but additional data are needed to prove that conclusively. Therefore, this variant has been classified as Likely Pathogenic. This variant has not been reported in the literature in individuals affected with KCNMA1-related conditions. This variant results in a copy number gain of the genomic region encompassing exon(s) 2-3 of the KCNMA1 gene. While the exact position of this variant cannot be determined from the data, sub-genic copy number gains are generally in tandem (PMID: 25640679). This variant is predicted to be out-of-frame, and may result in an absent or disrupted protein product. Loss-of-function variants in KCNMA1 are known to be pathogenic (PMID: 27567911, 29545233).

Literature cited by the submitters: PubMed 25640679; PubMed 27567911; PubMed 29545233.

NC_000010.10:g.(?_78998319)_(79163801_?)dup

Gene: KCNMA1 (potassium calcium-activated channel subfamily M alpha 1; minus strand). Cytogenetic location: 10q22.3.
Variant type: Duplication.
Identifiers: ClinVar variation 1519204 (VCV001519204.6).